The following is an entry in ClinVar:

NM_015443.4(KANSL1):c.1533+161G>A

Gene: KANSL1 (KAT8 regulatory NSL complex subunit 1). Cytogenetic location: 17q21.31.
Variant type: single nucleotide variant.
Coding change: c.1533+161G>A on transcript NM_015443.4 (MANE Select); 161 bases into the intron after coding-DNA position 1533, G replaced by A.
Molecular consequence: intron variant.
Genome position (GRCh38, 1-based): chr17:46,082,280, C>T on the plus strand (G>A on the coding strand, the complement: KANSL1 is on the minus strand). VCF-style: chr17-46082280-C-T. GRCh37 (hg19) VCF-style: chr17-44159646-C-T.
Other names: c.1533+161G>A (NM_001193465.2, NM_001379198.1, NM_001193466.2).
Identifiers: ClinVar variation 677473 (VCV000677473.1), dbSNP rs117475340, ClinGen allele CA291139147.

ClinVar aggregate classification (germline): Likely benign (1 of 4 stars; one submission).

Allele frequency attached by ClinVar (database versions not stated): 1000 Genomes Project 30x 0.00203; 1000 Genomes Project 0.00220; TOPMed 0.00768; gnomAD 0.00887 and 0.00944.
gnomAD v4.1: 1,364 of 152,250 alleles (0.9%); highest among the groups gnomAD compares: Non-Finnish European, 1.2%; 7 homozygotes.

Submission:

GeneDx
Classification: Likely benign. Last evaluated: 2018-06-19. Review status: criteria provided, single submitter. Criteria: GeneDx Variant Classification (06012015). Collection method: clinical testing. Allele origin: germline. Affected: yes.
Comment: This variant is considered likely benign or benign based on one or more of the following criteria: it is a conservative change, it occurs at a poorly conserved position in the protein, it is predicted to be benign by multiple in silico algorithms, and/or has population frequency not consistent with disease.